The following is an entry in ClinVar:

ClinVar aggregate classification (germline): Uncertain significance. Review status: criteria provided, multiple submitters, no conflicts (2 of 4 stars). 2 submissions from 2 submitters: Uncertain significance (2). Last evaluated 2026-01-05.

Allele frequency attached by ClinVar (database versions not stated): gnomAD exomes 0.00002; ExAC 0.00005; ESP Exome Variant Server 0.00008; gnomAD 0.00020; TOPMed 0.00033.
gnomAD v4.1: 56 of 1,614,118 alleles (0.0035%); highest among the groups gnomAD compares: African/African-American, 0.067%; no homozygotes.

Submissions (2):

Labcorp Genetics (formerly Invitae), Labcorp
Classification: Uncertain significance. Last evaluated: 2026-01-05. Review status: criteria provided, single submitter. Criteria: Invitae Variant Classification Sherloc (09022015). Collection method: clinical testing. Allele origin: germline.
Comment: This sequence change replaces alanine, which is neutral and non-polar, with serine, which is neutral and polar, at codon 121 of the MYLIP protein (p.Ala121Ser). This variant is present in population databases (rs145292846, gnomAD 0.07%), and has an allele count higher than expected for a pathogenic variant. This variant has not been reported in the literature in individuals affected with MYLIP-related conditions. ClinVar contains an entry for this variant (Variation ID: 2411561). An algorithm developed to predict the effect of missense changes on protein structure and function (PolyPhen-2) suggests that this variant is likely to be disruptive. In summary, the available evidence is currently insufficient to determine the role of this variant in disease. Therefore, it has been classified as a Variant of Uncertain Significance.

Ambry Genetics
Classification: Uncertain significance. Last evaluated: 2021-06-21. Review status: criteria provided, single submitter. Criteria: Ambry Variant Classification Scheme 2023. Collection method: clinical testing. Allele origin: germline.

NM_013262.4(MYLIP):c.361G>T (p.Ala121Ser)

Gene: MYLIP (myosin regulatory light chain interacting protein; plus strand). Cytogenetic location: 6p22.3.
Variant type: single nucleotide variant.
Coding change: c.361G>T on transcript NM_013262.4 (MANE Select); coding-DNA position 361, G replaced by T.
Protein change: p.Ala121Ser; replaces alanine 121 with serine.
Molecular consequence: missense variant.
Genome position (GRCh38, 1-based): chr6:16,141,707, G>T. VCF-style: chr6-16141707-G-T. GRCh37 (hg19) VCF-style: chr6-16141938-G-T.
Other names: short protein forms A121S.
Identifiers: ClinVar variation 2411561 (VCV002411561.3), dbSNP rs145292846, ClinGen allele CA3644460.
Genomic context (GRCh38, chr6:16,141,707, plus strand): 5'-AAGGAGGCCCTCTTGGCAGGCCACCTCTTGTGTTCCCCAGAGCAGGCAGTGGAACTCAGT[G>T]CCCTCCTGGCCCAGACCAAGTTTGGAGACTACAACCAGAACACTGCCAAGTATAACTATG-3'
Protein context (NP_037394.2, residues 111-131): CSPEQAVELS[Ala121Ser]LLAQTKFGDY